The following is an entry in ClinVar:

NM_016507.4(CDK12):c.3479T>G (p.Leu1160Arg)

Gene: CDK12 (cyclin dependent kinase 12; plus strand). Cytogenetic location: 17q12.
Variant type: single nucleotide variant.
Coding change: c.3479T>G on transcript NM_016507.4 (MANE Select); coding-DNA position 3479, T replaced by G.
Protein change: p.Leu1160Arg; replaces leucine 1160 with arginine.
Molecular consequence: missense variant.
Genome position (GRCh38, 1-based): chr17:39,526,035, T>G. VCF-style: chr17-39526035-T-G. GRCh37 (hg19) VCF-style: chr17-37682288-T-G.
Other names: c.3479T>G, p.Leu1160Arg (NM_015083.4); short protein forms L1160R.
Identifiers: ClinVar variation 3489405 (VCV003489405.1).

ClinVar aggregate classification (germline): Uncertain significance (1 of 4 stars; one submission).

Submission:

Ambry Genetics
Classification: Uncertain significance. Last evaluated: 2024-12-09. Review status: criteria provided, single submitter. Criteria: Ambry Variant Classification Scheme 2023. Collection method: clinical testing. Allele origin: germline.
Comment: The p.L1160R variant (also known as c.3479T>G), located in coding exon 13 of the CDK12 gene, results from a T to G substitution at nucleotide position 3479. The leucine at codon 1160 is replaced by arginine, an amino acid with dissimilar properties. This amino acid position is conserved. In addition, this alteration is predicted to be deleterious by in silico analysis. Based on the available evidence, the clinical significance of this variant remains unclear.